The following is an entry in ClinVar:

ClinVar aggregate classification (germline): Uncertain significance (1 of 4 stars; one submission).

Conditions:
2-aminoadipic 2-oxoadipic aciduria (AAKAD). Also called: ALPHA-AMINOADIPIC AND ALPHA-KETOADIPIC ACIDURIA; Aminoadipic aciduria. Identifiers: Orphanet 79154, MedGen C1859817, MONDO:0008774, OMIM 204750.

Submission:

Labcorp Genetics (formerly Invitae), Labcorp
Classification: Uncertain significance for 2-aminoadipic 2-oxoadipic aciduria. Last evaluated: 2024-06-05. Review status: criteria provided, single submitter. Criteria: Invitae Variant Classification Sherloc (09022015). Collection method: clinical testing. Allele origin: germline.
Comment: This sequence change replaces leucine, which is neutral and non-polar, with methionine, which is neutral and non-polar, at codon 531 of the DHTKD1 protein (p.Leu531Met). This variant is not present in population databases (gnomAD no frequency). This variant has not been reported in the literature in individuals affected with DHTKD1-related conditions. Advanced modeling of protein sequence and biophysical properties (such as structural, functional, and spatial information, amino acid conservation, physicochemical variation, residue mobility, and thermodynamic stability) performed at Invitae indicates that this missense variant is not expected to disrupt DHTKD1 protein function with a negative predictive value of 80%. In summary, the available evidence is currently insufficient to determine the role of this variant in disease. Therefore, it has been classified as a Variant of Uncertain Significance.

NM_018706.7(DHTKD1):c.1591C>A (p.Leu531Met)

Gene: DHTKD1 (dehydrogenase E1 and transketolase domain containing 1; plus strand). Cytogenetic location: 10p14.
Variant type: single nucleotide variant.
Coding change: c.1591C>A on transcript NM_018706.7 (MANE Select); coding-DNA position 1591, C replaced by A.
Protein change: p.Leu531Met; replaces leucine 531 with methionine.
Molecular consequence: missense variant.
Genome position (GRCh38, 1-based): chr10:12,097,916, C>A. VCF-style: chr10-12097916-C-A. GRCh37 (hg19) VCF-style: chr10-12139915-C-A.
Other names: short protein forms L531M.
Identifiers: ClinVar variation 3655063 (VCV003655063.2).